The following is an entry in ClinVar:

ClinVar aggregate classification (germline): Uncertain significance (1 of 4 stars; one submission).

Conditions:
Alstrom syndrome (ALMS). Identifiers: Orphanet 64, MedGen C0268425, MONDO:0008763, OMIM 203800.

Allele frequency attached by ClinVar (database versions not stated): TOPMed below 0.00001.

Submission:

Labcorp Genetics (formerly Invitae), Labcorp
Classification: Uncertain significance for Alstrom syndrome. Last evaluated: 2024-10-25. Review status: criteria provided, single submitter. Criteria: Invitae Variant Classification Sherloc (09022015). Collection method: clinical testing. Allele origin: germline.
Comment: This sequence change replaces threonine, which is neutral and polar, with alanine, which is neutral and non-polar, at codon 1325 of the ALMS1 protein (p.Thr1325Ala). This variant is not present in population databases (gnomAD no frequency). This variant has not been reported in the literature in individuals affected with ALMS1-related conditions. ClinVar contains an entry for this variant (Variation ID: 1429519). Experimental studies and prediction algorithms are not available or were not evaluated, and the functional significance of this variant is currently unknown. In summary, the available evidence is currently insufficient to determine the role of this variant in disease. Therefore, it has been classified as a Variant of Uncertain Significance.

NM_001378454.1(ALMS1):c.3970A>G (p.Thr1324Ala)

Gene: ALMS1 (ALMS1 centrosome and basal body associated protein; plus strand). Cytogenetic location: 2p13.1.
Variant type: single nucleotide variant.
Coding change: c.3970A>G on transcript NM_001378454.1 (MANE Select); coding-DNA position 3970, A replaced by G.
Protein change: p.Thr1324Ala; replaces threonine 1324 with alanine.
Molecular consequence: missense variant.
Genome position (GRCh38, 1-based): chr2:73,450,497, A>G. VCF-style: chr2-73450497-A-G. GRCh37 (hg19) VCF-style: chr2-73677624-A-G.
Other names: c.3973A>G, p.Thr1325Ala (NM_015120.4); short protein forms T1324A, T1325A.
Identifiers: ClinVar variation 1429519 (VCV001429519.5), dbSNP rs1671910039, ClinGen allele CA347277188.